The following is an entry in ClinVar:

NM_014317.5(PDSS1):c.589A>G (p.Lys197Glu)

Gene: PDSS1 (decaprenyl diphosphate synthase subunit 1; plus strand). Cytogenetic location: 10p12.1.
Variant type: single nucleotide variant.
Coding change: c.589A>G on transcript NM_014317.5 (MANE Select); coding-DNA position 589, A replaced by G.
Protein change: p.Lys197Glu; replaces lysine 197 with glutamic acid.
Molecular consequence: missense variant.
Genome position (GRCh38, 1-based): chr10:26,720,339, A>G. VCF-style: chr10-26720339-A-G. GRCh37 (hg19) VCF-style: chr10-27009268-A-G.
Other names: p.K197E:AAG>GAG; c.589A>G, p.Lys197Glu (NM_001321978.2); c.79A>G, p.Lys27Glu (NM_001321979.2); short protein forms K197E, K27E.
Identifiers: ClinVar variation 138683 (VCV000138683.61), dbSNP rs116424900, ClinGen allele CA292768.

ClinVar aggregate classification (germline): Conflicting classifications of pathogenicity. Review status: criteria provided, conflicting classifications (1 of 4 stars). 10 submissions from 10 submitters: Uncertain significance (1); Benign (1); Likely benign (4). 4 of the submissions do not count toward it. Last evaluated 2026-09-01.

Conditions:
PDSS1-related disorder. Also called: PDSS1-related condition.
Deafness-encephaloneuropathy-obesity-valvulopathy syndrome. Identifiers: Orphanet 254898, MedGen C3553354, MONDO:0013837, OMIM 614651.

Allele frequency attached by ClinVar (database versions not stated): ExAC 0.00120; ESP Exome Variant Server 0.00146; gnomAD exomes 0.00148 and 0.00200; 1000 Genomes Project 0.00160; TOPMed 0.00170; 1000 Genomes Project 30x 0.00172; gnomAD 0.00176 and 0.00179.
gnomAD v4.1: 3,173 of 1,612,602 alleles (0.2%); highest among the groups gnomAD compares: Admixed American, 0.39%; 5 homozygotes.

Submissions (10):

CeGaT Center for Human Genetics Tuebingen
Classification: Likely benign. Last evaluated: 2026-09-01. Review status: criteria provided, single submitter. Criteria: CeGaT Center For Human Genetics Tuebingen Variant Classification Criteria Version 2. Collection method: clinical testing. Allele origin: germline. Affected: yes. Observed: 4 variant alleles.
Comment: PDSS1: BP4, BS2

Labcorp Genetics (formerly Invitae), Labcorp
Classification: Likely benign. Last evaluated: 2026-02-01. Review status: criteria provided, single submitter. Criteria: Invitae Variant Classification Sherloc (09022015). Collection method: clinical testing. Allele origin: germline.

Blueprint Genetics
Classification: Likely benign. Last evaluated: 2024-11-05. Review status: criteria provided, single submitter. Criteria: ACMG Guidelines, 2015. Collection method: clinical testing. Allele origin: germline.

Illumina Laboratory Services, Illumina
Classification: Uncertain significance for Deafness-encephaloneuropathy-obesity-valvulopathy syndrome. Last evaluated: 2018-01-13. Review status: criteria provided, single submitter. Criteria: ICSL Variant Classification Criteria 13 December 2019. Collection method: clinical testing. Allele origin: germline.

Clinical Genetics DNA and cytogenetics Diagnostics Lab, Erasmus MC, Erasmus Medical Center
Classification: Likely benign for Deafness-encephaloneuropathy-obesity-valvulopathy syndrome. Last evaluated: 2017-06-28. Review status: criteria provided, single submitter. Criteria: ACGS Guidelines, 2013. Collection method: clinical testing. Allele origin: germline. Affected: yes. Study: VKGL Data-share Consensus.

GeneDx
Classification: Benign. Last evaluated: 2014-04-15. Review status: criteria provided, single submitter. Criteria: GeneDx Variant Classification (06012015). Collection method: clinical testing. Allele origin: germline. Affected: yes.
Comment: This variant is considered likely benign or benign based on one or more of the following criteria: it is a conservative change, it occurs at a poorly conserved position in the protein, it is predicted to be benign by multiple in silico algorithms, and/or has population frequency not consistent with disease.

PreventionGenetics, part of Exact Sciences
Classification: Likely benign for PDSS1-related condition. Last evaluated: 2024-05-22. Review status: no assertion criteria provided. Collection method: clinical testing. Allele origin: germline. Not counted in ClinVar's aggregate classification.
Comment: This variant is classified as likely benign based on ACMG/AMP sequence variant interpretation guidelines (Richards et al. 2015 PMID: 25741868, with internal and published modifications).

Mayo Clinic Laboratories, Mayo Clinic
Classification: Likely benign. Last evaluated: 2017-11-01. Review status: no assertion criteria provided. Collection method: clinical testing. Allele origin: unknown. Not counted in ClinVar's aggregate classification.

Genome Diagnostics Laboratory, Amsterdam University Medical Center
Classification: Likely benign for Deafness-encephaloneuropathy-obesity-valvulopathy syndrome. Last evaluated: 2016-11-14. Review status: no assertion criteria provided. Criteria: ACGS Guidelines, 2013. Collection method: clinical testing. Allele origin: germline. Affected: yes. Study: VKGL Data-share Consensus. Not counted in ClinVar's aggregate classification.

Clinical Genetics, Academic Medical Center
Classification: Likely benign. Review status: no assertion criteria provided. Collection method: clinical testing. Allele origin: germline. Affected: yes. Study: VKGL Data-share Consensus. Not counted in ClinVar's aggregate classification.